The following is an entry in ClinVar:

NM_004991.4(MECOM):c.1532C>T (p.Pro511Leu)

Gene: MECOM (MDS1 and EVI1 complex locus; minus strand). Cytogenetic location: 3q26.2.
Variant type: single nucleotide variant.
Coding change: c.1532C>T on transcript NM_004991.4 (MANE Select); coding-DNA position 1532, C replaced by T.
Protein change: p.Pro511Leu; replaces proline 511 with leucine.
Molecular consequence: missense variant. On other transcripts: intron variant (2).
Genome position (GRCh38, 1-based): chr3:169,116,340, G>A on the plus strand (C>T on the coding strand, the complement: MECOM is on the minus strand). VCF-style: chr3-169116340-G-A. GRCh37 (hg19) VCF-style: chr3-168834128-G-A.
Other names: c.1163C>T, p.Pro388Leu (NM_001105077.4); c.968C>T, p.Pro323Leu (NM_001105078.4, NM_001164000.2, NM_001205194.2 and 4 more transcripts); c.971C>T, p.Pro324Leu (NM_001163999.2, NM_001366467.2, NM_001366468.2 and 1 more transcripts); c.1532C>T, p.Pro511Leu (NM_001366466.2); c.1133-573C>T (NM_001366473.2); c.569-573C>T (NM_001366474.2); short protein forms P323L, P324L, P388L, P511L.
Identifiers: ClinVar variation 3060647 (VCV003060647.2), dbSNP rs2549411839, ClinGen allele CA355062167.
Genomic context (GRCh38, chr3:169,116,340, plus strand): 5'-TGTGTCATGAGGGGACTTTGACTTTTGTTTGTCTGTTCAGTACTTGATAGTCCTTTAACA[G>A]GAGAACTAGCAGGTATCAAAGGAGGCCTGTGGTACAAGCCGGAAGGAAACAGACCAGGGA-3'
Protein context (NP_004982.2, residues 501-521): HRPPLIPASS[Pro511Leu]VKGLSSTEQT

ClinVar aggregate classification (germline): Uncertain significance (0 of 4 stars; one submission).

Conditions:
MECOM-related disorder. Also called: MECOM-related condition.

Submission:

PreventionGenetics, part of Exact Sciences
Classification: Uncertain significance for MECOM-related condition. Last evaluated: 2023-11-01. Review status: no assertion criteria provided. Collection method: clinical testing. Allele origin: germline.
Comment: The MECOM c.1532C>T variant is predicted to result in the amino acid substitution p.Pro511Leu. To our knowledge, this variant has not been reported in the literature or in a large population database, indicating this variant is rare. At this time, the clinical significance of this variant is uncertain due to the absence of conclusive functional and genetic evidence.